The following is an entry in ClinVar:

ClinVar aggregate classification (germline): Uncertain significance (1 of 4 stars; one submission).

Conditions:
Autism spectrum disorder due to AUTS2 deficiency (MRD26). Also called: INTELLECTUAL DEVELOPMENTAL DISORDER, AUTOSOMAL DOMINANT 26. Identifiers: Orphanet 352490, MedGen C4014435, MONDO:0014361, OMIM 615834.

Submission:

3billion
Classification: Uncertain significance for Autism spectrum disorder due to AUTS2 deficiency. Last evaluated: 2024-06-27. Review status: criteria provided, single submitter. Criteria: ACMG Guidelines, 2015. Collection method: clinical testing. Allele origin: germline. Affected: yes.
Comment: The variant is not observed in the gnomAD v4.0.0 dataset. Predicted Consequence/Location: Intron variant In silico tools predict the variant to alter splicing and produce an abnormal transcript [SpliceAI: 0.70 (>=0.2, moderate evidence for spliceogenicity)]. Therefore, this variant is classified as VUS according to the recommendation of ACMG/AMP guideline.

NM_015570.4(AUTS2):c.2146+4_2146+5del

Gene: AUTS2 (activator of transcription and developmental regulator AUTS2; plus strand). Cytogenetic location: 7q11.22.
Variant type: Deletion.
Coding change: c.2146+4_2146+5del on transcript NM_015570.4 (MANE Select); bases 4 to 5 of the intron after coding-DNA position 2146, 2 bases deleted (AG; older notation c.2146+4_2146+5delAG).
Molecular consequence: intron variant.
Genome position (GRCh38, 1-based): chr7:70,781,760-70,781,761, AG deleted; deleting any 2 consecutive bases within chr7:70,781,759-70,781,761 gives the same sequence; the c. name uses the placement nearest the transcript's 3' end. VCF-style (leftmost placement, unchanged base first): chr7-70781758-TGA-T. GRCh37 (hg19) VCF-style: chr7-70246744-TGA-T.
Other names: c.2074+4_2074+5del (NM_001127231.3).
Identifiers: ClinVar variation 4293473 (VCV004293473.1).
Genomic context (GRCh38, chr7:70,781,758, plus strand): 5'-TGGAGCCATCCACCACCCCCATGACCTGGCACGGCCTTCAACTTTGTTCTCTGCCGCTGG[TGA>T]GTGTGGGTTTGGGTGGGGGGACAGAGCTGAGAAATGTAGTTCTCAGGTAACTAAATAAAT-3'